The following is an entry in ClinVar:

ClinVar aggregate classification (germline): Likely pathogenic (3 of 4 stars; one submission).

Conditions:
Complex neurodevelopmental disorder. Identifiers: Orphanet 528084, MedGen C5568766, MONDO:0100038.

Submission:

ClinGen Epilepsy Sodium Channel Variant Curation Expert Panel, Clingen
Classification: Likely pathogenic for Complex neurodevelopmental disorder. Last evaluated: 2024-11-26. Review status: reviewed by expert panel. Criteria: ClinGen EpilepsySCN ACMG Specifications SCN2A V1.0.0. Collection method: curation. Allele origin: germline. Inheritance: Autosomal dominant inheritance.
Comment: The c.4780T>A variant in SCN2A is a missense variant predicted to cause substitution of tryptophan by cysteine at amino acid 1594 (p.Trp1594Arg). The variant has been identified in multiple individuals meeting criteria for complex neurodevelopmental disorder (PM6)(PMID: 34004075, 28256214, 28135719, internal lab contributors). It is absent from the population database gnomAD v2.1.1 and v4.1.0 (PM2_Supporting). The computational predictor REVEL gives a score of 0.968, which is above the threshold of 0.773, evidence that correlates with a maximum strength of PP3_Moderate. Additionally, two other missense variants in the same codon c.4782G>C, p.Trp1594Cys and c.4782G>T, p.Trp1594Cys also reach likely pathogenic based on current criteria (PM5_Supporting). In summary, this variant meets the criteria to be classified as likely pathogenic for autosomal dominant complex neurodevelopmental disorder based on the ACMG/AMP criteria applied, as specified by the ClinGen Epilepsy Sodium Channel VCEP: PM6, PM2_Supporting, PP3_Moderate, PM5_Supporting. (version 1.0; November 26, 2024).

NM_001040142.2(SCN2A):c.4780T>A (p.Trp1594Arg)

Gene: SCN2A (sodium voltage-gated channel alpha subunit 2; plus strand). Cytogenetic location: 2q24.3.
Variant type: single nucleotide variant.
Coding change: c.4780T>A on transcript NM_001040142.2 (MANE Select); coding-DNA position 4780, T replaced by A.
Protein change: p.Trp1594Arg; replaces tryptophan 1594 with arginine.
Molecular consequence: missense variant.
Genome position (GRCh38, 1-based): chr2:165,386,974, T>A. VCF-style: chr2-165386974-T-A. GRCh37 (hg19) VCF-style: chr2-166243484-T-A.
Other names: NM_021007.3:c.4780T>A; c.4780T>A, p.Trp1594Arg (NM_001040143.2, NM_001371246.1, NM_001371247.1 and 1 more transcripts); short protein forms W1594R.
Identifiers: ClinVar variation 3906897 (VCV003906897.1).